The following is an entry in ClinVar:

NM_001142800.2(EYS):c.7510C>A (p.Pro2504Thr)

Gene: EYS (EGF-like photoreceptor maintenance factor; minus strand). Cytogenetic location: 6q12.
Variant type: single nucleotide variant.
Coding change: c.7510C>A on transcript NM_001142800.2 (MANE Select); coding-DNA position 7510, C replaced by A.
Protein change: p.Pro2504Thr; replaces proline 2504 with threonine.
Molecular consequence: missense variant.
Genome position (GRCh38, 1-based): chr6:63,789,126, G>T on the plus strand (C>A on the coding strand, the complement: EYS is on the minus strand). VCF-style: chr6-63789126-G-T. GRCh37 (hg19) VCF-style: chr6-64499019-G-T.
Other names: c.7510C>A, p.Pro2504Thr (NM_001292009.2); short protein forms P2504T.
Identifiers: ClinVar variation 2165748 (VCV002165748.2), dbSNP rs1351717011, ClinGen allele CA364385779.

ClinVar aggregate classification (germline): Uncertain significance (1 of 4 stars; one submission).

Allele frequency attached by ClinVar (database versions not stated): gnomAD exomes below 0.00001; TOPMed below 0.00001.
gnomAD v4.1: 2 of 1,551,664 alleles (0.00013%); highest among the groups gnomAD compares: Admixed American, 0.002%; no homozygotes.

Submission:

Labcorp Genetics (formerly Invitae), Labcorp
Classification: Uncertain significance. Last evaluated: 2025-12-06. Review status: criteria provided, single submitter. Criteria: Invitae Variant Classification Sherloc (09022015). Collection method: clinical testing. Allele origin: germline.
Comment: This sequence change replaces proline, which is neutral and non-polar, with threonine, which is neutral and polar, at codon 2504 of the EYS protein (p.Pro2504Thr). This variant is present in population databases (no rsID available, gnomAD 0.004%). This variant has not been reported in the literature in individuals affected with EYS-related conditions. ClinVar contains an entry for this variant (Variation ID: 2165748). Invitae Evidence Modeling of protein sequence and biophysical properties (such as structural, functional, and spatial information, amino acid conservation, physicochemical variation, residue mobility, and thermodynamic stability) indicates that this missense variant is expected to disrupt EYS protein function with a positive predictive value of 80%. In summary, the available evidence is currently insufficient to determine the role of this variant in disease. Therefore, it has been classified as a Variant of Uncertain Significance.